The following is an entry in ClinVar:

NM_002439.5(MSH3):c.1801C>A (p.Leu601Ile)

Gene: MSH3 (mutS homolog 3; plus strand). Cytogenetic location: 5q14.1.
Variant type: single nucleotide variant.
Coding change: c.1801C>A on transcript NM_002439.5 (MANE Select); coding-DNA position 1801, C replaced by A.
Protein change: p.Leu601Ile; replaces leucine 601 with isoleucine.
Molecular consequence: missense variant.
Genome position (GRCh38, 1-based): chr5:80,761,583, C>A. VCF-style: chr5-80761583-C-A. GRCh37 (hg19) VCF-style: chr5-80057402-C-A.
Other names: c.1801C>A (NM_002439.3); short protein forms L601I.
Identifiers: ClinVar variation 1375430 (VCV001375430.7), dbSNP rs769922097, ClinGen allele CA3328051.

ClinVar aggregate classification (germline): Uncertain significance. Review status: criteria provided, multiple submitters, no conflicts (2 of 4 stars). 2 submissions from 2 submitters: Uncertain significance (2). Last evaluated 2025-11-15.

Conditions:
Hereditary cancer-predisposing syndrome. Also called: Neoplastic Syndromes, Hereditary; Hereditary Cancer Syndrome; Tumor predisposition; Hereditary neoplastic syndrome. Identifiers: Orphanet 140162, MedGen C0027672, MeSH D009386, MONDO:0015356.

Allele frequency attached by ClinVar (database versions not stated): gnomAD exomes below 0.00001; ExAC 0.00001.

Submissions (2):

Ambry Genetics
Classification: Uncertain significance for Hereditary cancer-predisposing syndrome. Last evaluated: 2025-11-15. Review status: criteria provided, single submitter. Criteria: Ambry Variant Classification Scheme 2023. Collection method: clinical testing. Allele origin: germline.
Comment: The p.L601I variant (also known as c.1801C>A), located in coding exon 13 of the MSH3 gene, results from a C to A substitution at nucleotide position 1801. The leucine at codon 601 is replaced by isoleucine, an amino acid with highly similar properties. This amino acid position is conserved. In addition, this alteration is predicted to be tolerated by in silico analysis. Based on the available evidence, the clinical significance of this variant remains unclear.

Labcorp Genetics (formerly Invitae), Labcorp
Classification: Uncertain significance. Last evaluated: 2021-08-16. Review status: criteria provided, single submitter. Criteria: Invitae Variant Classification Sherloc (09022015). Collection method: clinical testing. Allele origin: germline.
Comment: Algorithms developed to predict the effect of missense changes on protein structure and function (SIFT, PolyPhen-2, Align-GVGD) all suggest that this variant is likely to be tolerated. In summary, the available evidence is currently insufficient to determine the role of this variant in disease. Therefore, it has been classified as a Variant of Uncertain Significance. This variant has not been reported in the literature in individuals affected with MSH3-related conditions. The frequency data for this variant in the population databases is considered unreliable, as metrics indicate poor data quality at this position in the ExAC database. This sequence change replaces leucine with isoleucine at codon 601 of the MSH3 protein (p.Leu601Ile). The leucine residue is moderately conserved and there is a small physicochemical difference between leucine and isoleucine.